The following is an entry in ClinVar:

NM_017777.4(MKS1):c.548C>G (p.Thr183Ser)

Gene: MKS1 (MKS transition zone complex subunit 1; minus strand). Cytogenetic location: 17q22.
Variant type: single nucleotide variant.
Coding change: c.548C>G on transcript NM_017777.4 (MANE Select); coding-DNA position 548, C replaced by G.
Protein change: p.Thr183Ser; replaces threonine 183 with serine.
Molecular consequence: missense variant. On other transcripts: 5 prime UTR variant (1).
Genome position (GRCh38, 1-based): chr17:58,214,355, G>C on the plus strand (C>G on the coding strand, the complement: MKS1 is on the minus strand). VCF-style: chr17-58214355-G-C. GRCh37 (hg19) VCF-style: chr17-56291716-G-C.
Other names: p.Thr183Ser; c.-62C>G (NM_001321268.2); c.548C>G, p.Thr183Ser (NM_001321269.2, NM_001330397.2); short protein forms T183S.
Identifiers: ClinVar variation 593960 (VCV000593960.10), dbSNP rs775805558, ClinGen allele CA292013627.

ClinVar aggregate classification (germline): Uncertain significance. Review status: criteria provided, multiple submitters, no conflicts (2 of 4 stars). 4 submissions from 4 submitters: Uncertain significance (4). Last evaluated 2025-04-21.

Conditions:
Meckel-Gruber syndrome. Also called: Dysencephalia splachnocystica; DYSENCEPHALIA SPLANCHNOCYSTICA; GRUBER SYNDROME. Identifiers: Orphanet 564, MedGen C0265215, MONDO:0018921.
Joubert syndrome. Also called: Familial aplasia of the vermis; CEREBELLOPARENCHYMAL DISORDER IV; JOUBERT-BOLTSHAUSER SYNDROME. Identifiers: Orphanet 475, MedGen C5979921, MONDO:0018772.

Allele frequency attached by ClinVar (database versions not stated): TOPMed 0.00001; gnomAD 0.00001.
gnomAD v4.1: 14 of 1,613,570 alleles (0.00087%); highest among the groups gnomAD compares: African/African-American, 0.0027%; no homozygotes.

Submissions (4):

Mayo Clinic Laboratories, Mayo Clinic
Classification: Uncertain significance. Last evaluated: 2025-04-21. Review status: criteria provided, single submitter. Criteria: ACMG Guidelines, 2015. Collection method: clinical testing. Allele origin: germline. Observed: 1 variant allele.
Comment: BP4_moderate, PM2_supporting

Labcorp Genetics (formerly Invitae), Labcorp
Classification: Uncertain significance for Joubert syndrome; Meckel-Gruber syndrome. Last evaluated: 2022-05-27. Review status: criteria provided, single submitter. Criteria: Invitae Variant Classification Sherloc (09022015). Collection method: clinical testing. Allele origin: germline.
Comment: Advanced modeling of protein sequence and biophysical properties (such as structural, functional, and spatial information, amino acid conservation, physicochemical variation, residue mobility, and thermodynamic stability) performed at Invitae indicates that this missense variant is not expected to disrupt MKS1 protein function. In summary, the available evidence is currently insufficient to determine the role of this variant in disease. Therefore, it has been classified as a Variant of Uncertain Significance. ClinVar contains an entry for this variant (Variation ID: 593960). This variant has not been reported in the literature in individuals affected with MKS1-related conditions. This variant is present in population databases (no rsID available, gnomAD 0.01%). This sequence change replaces threonine, which is neutral and polar, with serine, which is neutral and polar, at codon 183 of the MKS1 protein (p.Thr183Ser).

Eurofins Ntd Llc (ga)
Classification: Uncertain significance. Last evaluated: 2017-09-26. Review status: criteria provided, single submitter. Criteria: EGL Classification Definitions 2015. Collection method: clinical testing. Allele origin: germline. Observed: 2 variant alleles, 2 heterozygotes.

Breakthrough Genomics
Classification: Uncertain significance. Review status: criteria provided, single submitter. Criteria: ACMG Guidelines, 2015. Collection method: not provided. Allele origin: germline. Inheritance: Autosomal recessive inheritance. Affected: yes.